The following is an entry in ClinVar:

NM_015338.6(ASXL1):c.967C>T (p.Arg323Cys)

Gene: ASXL1 (ASXL transcriptional regulator 1; plus strand). Cytogenetic location: 20q11.21.
Variant type: single nucleotide variant.
Coding change: c.967C>T on transcript NM_015338.6 (MANE Select); coding-DNA position 967, C replaced by T.
Protein change: p.Arg323Cys; replaces arginine 323 with cysteine.
Molecular consequence: missense variant.
Genome position (GRCh38, 1-based): chr20:32,431,667, C>T. VCF-style: chr20-32431667-C-T. GRCh37 (hg19) VCF-style: chr20-31019470-C-T.
Other names: c.784C>T, p.Arg262Cys (NM_001363734.1); short protein forms R323C, R262C.
Identifiers: ClinVar variation 3792596 (VCV003792596.1).
Genomic context (GRCh38, chr20:32,431,667, plus strand): 5'-CTCAGCAGCAGTGCACTAAATAACGAGTTTTTTACCCATGCGGCTCAGAGCTGGCGGGAG[C>T]GCCTGGCTGATGGTATGTAGACTTGGTCATCTCGGACGGCTTGCGACGCACCTGTCGTGT-3'
Protein context (NP_056153.2, residues 313-333): FTHAAQSWRE[Arg323Cys]LADGEFTHEM

ClinVar aggregate classification (germline): Uncertain significance (1 of 4 stars; one submission).

Conditions:
Inborn genetic diseases. Identifiers: MedGen C0950123, MeSH D030342.

gnomAD v4.1: 1 of 1,612,818 alleles (0.000062%); highest among the groups gnomAD compares: Admixed American, 0.0017%; no homozygotes.

Submission:

Ambry Genetics
Classification: Uncertain significance for Inborn genetic diseases. Last evaluated: 2025-01-20. Review status: criteria provided, single submitter. Criteria: Ambry Variant Classification Scheme 2023. Collection method: clinical testing. Allele origin: germline.
Comment: The p.R323C variant (also known as c.967C>T), located in coding exon 10 of the ASXL1 gene, results from a C to T substitution at nucleotide position 967. The arginine at codon 323 is replaced by cysteine, an amino acid with highly dissimilar properties. This amino acid position is conserved. In addition, the in silico prediction for this alteration is inconclusive. Based on the available evidence, the clinical significance of this variant remains unclear.